The following is an entry in ClinVar:

ClinVar aggregate classification (germline): Uncertain significance (0 of 4 stars; one submission).

Conditions:
Angelman syndrome (AS). Also called: HAPPY PUPPET SYNDROME. Identifiers: Orphanet 72, MedGen C0162635, MONDO:0007113, OMIM 105830. Disease mechanism: loss of function. Inheritance: AS is caused by disruption of maternally imprinted UBE3A located within the 15q11.2-q13 Angelman syndrome/Prader-Willi syndrome (AS/PWS) region., imprinting disorder.

Submission:

Baylor Genetics
Classification: Uncertain significance for Angelman syndrome. Last evaluated: 2014-02-14. Review status: no assertion criteria provided. Collection method: clinical testing. Allele origin: maternal. Affected: yes. Observed: 2 variant alleles. Study: UBE3A Mutation Study.
Comment: possible diagnosis of Angelman syndrome

Data collected from clinical UBE3A sequence analysis results

Literature cited by the submitters: PubMed 25212744.

NM_130839.5(UBE3A):c.2354+20A>G

Genes: SNHG14 (small nucleolar RNA host gene 14; plus strand), UBE3A (ubiquitin protein ligase E3A; minus strand). Cytogenetic location: 15q11.2.
Variant type: single nucleotide variant.
Coding change: c.2354+20A>G on transcript NM_130839.5 (MANE Select); 20 bases into the intron after coding-DNA position 2354, A replaced by G.
Molecular consequence: intron variant.
Genome position (GRCh38, 1-based): chr15:25,354,333, T>C on the plus strand (A>G on the coding strand, the complement: UBE3A is on the minus strand). VCF-style: chr15-25354333-T-C. GRCh37 (hg19) VCF-style: chr15-25599480-T-C.
Other names: c.2177+20A>G (NM_001354546.2); c.1043+20A>G (NM_001354551.2); c.2129+20A>G (NM_001354549.2); c.2138+20A>G (NM_001354548.2, NM_001354547.2); c.2294+20A>G (NM_130838.4, NM_001354542.2, NM_001354523.2 and 14 more transcripts); c.1103+20A>G (NM_001354550.2); c.2198+20A>G (NM_001354545.2); c.2354+20A>G (NM_001354538.2, NM_001354505.1); and 1 more.
Identifiers: ClinVar variation 156125 (VCV000156125.1), dbSNP rs587782911, ClinGen allele CA333416.